The following is an entry in ClinVar:

NM_014956.5(CEP164):c.760T>C (p.Tyr254His)

Gene: CEP164 (centrosomal protein 164; plus strand). Cytogenetic location: 11q23.3.
Variant type: single nucleotide variant.
Coding change: c.760T>C on transcript NM_014956.5 (MANE Select); coding-DNA position 760, T replaced by C.
Protein change: p.Tyr254His; replaces tyrosine 254 with histidine.
Molecular consequence: missense variant.
Genome position (GRCh38, 1-based): chr11:117,363,501, T>C. VCF-style: chr11-117363501-T-C. GRCh37 (hg19) VCF-style: chr11-117234217-T-C.
Other names: c.760T>C (NM_014956.4); c.760T>C, p.Tyr254His (NM_001271933.2); short protein forms Y254H.
Identifiers: ClinVar variation 1467848 (VCV001467848.4), dbSNP rs750854769, ClinGen allele CA6294577.
Genomic context (GRCh38, chr11:117,363,501, plus strand): 5'-TCAAGTGAGCCTCTTAGGAACCTACACCTGGACATTGGGGCACTGGGGGGTGACTTTGAG[T>C]ATGAGGTAAGAGCCCTAATCCCTACAGGCACATGTGTCAGCCTGGCATATCCCTCCTGTT-3'
Protein context (NP_055771.4, residues 244-264): DIGALGGDFE[Tyr254His]EESLRTSQPE

ClinVar aggregate classification (germline): Uncertain significance. Review status: criteria provided, multiple submitters, no conflicts (2 of 4 stars). 2 submissions from 2 submitters: Uncertain significance (2). Last evaluated 2026-01-16.

Conditions:
CEP164-related disorder. Also called: CEP164-related condition.
Nephronophthisis 15 (NPHP15). Identifiers: Orphanet 3156, MedGen C3541853, MONDO:0013917, OMIM 614845.

Allele frequency attached by ClinVar (database versions not stated): ExAC 0.00001; gnomAD 0.00001; gnomAD exomes 0.00001.
gnomAD v4.1: 9 of 1,612,672 alleles (0.00056%); highest among the groups gnomAD compares: Admixed American, 0.0017%; no homozygotes.

Submissions (2):

PreventionGenetics, part of Exact Sciences
Classification: Uncertain significance for CEP164-related condition. Last evaluated: 2026-01-16. Review status: criteria provided, single submitter. Criteria: ACMG Guidelines, 2015. Collection method: clinical testing. Allele origin: germline.
Comment: The CEP164 c.760T>C variant is predicted to result in the amino acid substitution p.Tyr254His. To our knowledge, this variant has not been reported in the literature. This variant is reported in 0.0029% of alleles in individuals of Latino descent in gnomAD. At this time, the clinical significance of this variant is uncertain due to the absence of conclusive functional and genetic evidence.

Labcorp Genetics (formerly Invitae), Labcorp
Classification: Uncertain significance for Nephronophthisis 15. Last evaluated: 2021-11-12. Review status: criteria provided, single submitter. Criteria: Invitae Variant Classification Sherloc (09022015). Collection method: clinical testing. Allele origin: germline.
Comment: This sequence change replaces tyrosine, which is neutral and polar, with histidine, which is basic and polar, at codon 254 of the CEP164 protein (p.Tyr254His). This variant is present in population databases (rs750854769, gnomAD 0.003%). This variant has not been reported in the literature in individuals affected with CEP164-related conditions. Algorithms developed to predict the effect of missense changes on protein structure and function (SIFT, PolyPhen-2, Align-GVGD) all suggest that this variant is likely to be disruptive. In summary, the available evidence is currently insufficient to determine the role of this variant in disease. Therefore, it has been classified as a Variant of Uncertain Significance.